The following is an entry in ClinVar:

NM_014974.3(DIP2C):c.3294GGC[5] (p.Ala1102_Val1103insAla)

Genes: DIP2C (DIP2 acetate--CoA ligase C (putative); minus strand), LOC126860805 (BRD4-independent group 4 enhancer GRCh37_chr10:390524-391723; plus strand). Cytogenetic location: 10p15.3.
Variant type: Microsatellite.
Coding change: c.3294GGC[5] on transcript NM_014974.3 (MANE Select); five copies in a row of the 3-base unit GGC starting at c.3294; the reference has four copies in a row; one copy, 3 bases duplicated.
Protein change: p.Ala1102_Val1103insAla.
Molecular consequence: inframe insertion.
Genome position (GRCh38, 1-based): chr10:345,037-345,039, GCC duplicated on the plus strand (GGC on the coding strand, the reverse complement: DIP2C is on the minus strand); duplicating any 3 consecutive bases within chr10:345,037-345,048 gives the same sequence; the position shown is the placement nearest the transcript's 3' end. VCF-style (leftmost placement, unchanged base first): chr10-345036-A-AGCC. GRCh37 (hg19) VCF-style: chr10-390976-A-AGCC.
Identifiers: ClinVar variation 2886021 (VCV002886021.3), dbSNP rs759848276, ClinGen allele CA201908468.

ClinVar aggregate classification (germline): Uncertain significance (1 of 4 stars; one submission).

Submission:

Labcorp Genetics (formerly Invitae), Labcorp
Classification: Uncertain significance. Last evaluated: 2023-12-07. Review status: criteria provided, single submitter. Criteria: Invitae Variant Classification Sherloc (09022015). Collection method: clinical testing. Allele origin: germline.
Comment: This variant, c.3303_3305dup, results in the insertion of 1 amino acid(s) of the DIP2C protein (p.Ala1102dup), but otherwise preserves the integrity of the reading frame. This variant is present in population databases (no rsID available, gnomAD 0.01%). This variant has not been reported in the literature in individuals affected with DIP2C-related conditions. In summary, the available evidence is currently insufficient to determine the role of this variant in disease. Therefore, it has been classified as a Variant of Uncertain Significance.